The following is an entry in ClinVar:

ClinVar aggregate classification (germline): Uncertain significance (1 of 4 stars; one submission).

Conditions:
Inborn genetic diseases. Identifiers: MedGen C0950123, MeSH D030342.

Submission:

Ambry Genetics
Classification: Uncertain significance for Inborn genetic diseases. Last evaluated: 2025-03-10. Review status: criteria provided, single submitter. Criteria: Ambry Variant Classification Scheme 2023. Collection method: clinical testing. Allele origin: germline.
Comment: The p.E1420K variant (also known as c.4258G>A), located in coding exon 42 of the FANCA gene, results from a G to A substitution at nucleotide position 4258. The glutamic acid at codon 1420 is replaced by lysine, an amino acid with similar properties. This amino acid position is conserved. In addition, this alteration is predicted to be tolerated by in silico analysis. Based on the available evidence, the clinical significance of this variant remains unclear.

NM_000135.4(FANCA):c.4258G>A (p.Glu1420Lys)

Genes: ZNF276 (zinc finger protein 276; plus strand), FANCA (FA complementation group A; minus strand). Cytogenetic location: 16q24.3.
Variant type: single nucleotide variant.
Coding change: c.4258G>A on transcript NM_000135.4 (MANE Select); coding-DNA position 4258, G replaced by A.
Protein change: p.Glu1420Lys; replaces glutamic acid 1420 with lysine.
Molecular consequence: missense variant. On other transcripts: 3 prime UTR variant (2), non-coding transcript variant (4).
Genome position (GRCh38, 1-based): chr16:89,738,884, C>T on the plus strand (G>A on the coding strand, the complement: FANCA is on the minus strand). VCF-style: chr16-89738884-C-T. GRCh37 (hg19) VCF-style: chr16-89805292-C-T.
Other names: c.4262G>A, p.Arg1421Lys (NM_001286167.3); c.*638C>T (NM_001113525.2, NM_152287.4); short protein forms R1421K, E1420K.
Identifiers: ClinVar variation 3848302 (VCV003848302.1).